The following is an entry in ClinVar:

ClinVar aggregate classification (germline): Uncertain significance. Review status: criteria provided, multiple submitters, no conflicts (2 of 4 stars). 5 submissions from 5 submitters: Uncertain significance (3). 2 of the submissions do not count toward it. Last evaluated 2024-09-11.

Conditions:
Cardiomyopathy (CMYO). Also called: Cardiomyopathies. Identifiers: Orphanet 167848, MedGen C0878544, MONDO:0004994, HP:0001638. Inheritance: Various modes of inheritance.
Hypertrophic cardiomyopathy. Also called: HYPERTROPHIC MYOCARDIOPATHY. Identifiers: Orphanet 217569, MedGen C0007194, MeSH D002312, MONDO:0005045, HP:0001639.

Allele frequency attached by ClinVar (database versions not stated): gnomAD exomes below 0.00001.

Submissions (5):

All of Us Research Program, National Institutes of Health
Classification: Uncertain significance for Cardiomyopathy. Last evaluated: 2024-09-11. Review status: criteria provided, single submitter. Criteria: ACMG Guidelines, 2015. Collection method: clinical testing. Allele origin: germline. Inheritance: Autosomal dominant inheritance. Observed: 1 variant allele, 1 heterozygote.
Comment: This study involves interpretation of variants in research participants for the purpose of population health screening. Participant phenotype was not available at the time of variant classification. Additional details can be found in publication PMID: 35346344, PMCID: PMC8962531

GeneDx
Classification: Uncertain significance. Last evaluated: 2023-05-31. Review status: criteria provided, single submitter. Criteria: GeneDx Variant Classification Process June 2021. Collection method: clinical testing. Allele origin: germline. Affected: yes.
Comment: Identified in a patient with DCM in published literature (van Lint et al., 2019); Not observed at significant frequency in large population cohorts (gnomAD); In silico analysis supports that this missense variant has a deleterious effect on protein structure/function; This variant is associated with the following publications: (PMID: 30847666)

Labcorp Genetics (formerly Invitae), Labcorp
Classification: Uncertain significance for Hypertrophic cardiomyopathy. Last evaluated: 2022-04-12. Review status: criteria provided, single submitter. Criteria: Invitae Variant Classification Sherloc (09022015). Collection method: clinical testing. Allele origin: germline.
Comment: In summary, the available evidence is currently insufficient to determine the role of this variant in disease. Therefore, it has been classified as a Variant of Uncertain Significance. Algorithms developed to predict the effect of missense changes on protein structure and function are either unavailable or do not agree on the potential impact of this missense change (SIFT: "Deleterious"; PolyPhen-2: "Probably Damaging"; Align-GVGD: "Class C0"). ClinVar contains an entry for this variant (Variation ID: 1284631). This missense change has been observed in individual(s) with dilated cardiomyopathy (DCM) (PMID: 30847666). This variant is present in population databases (no rsID available, gnomAD 0.0009%). This sequence change replaces methionine, which is neutral and non-polar, with threonine, which is neutral and polar, at codon 1618 of the MYH7 protein (p.Met1618Thr).

Clinical Genetics, Academic Medical Center
Classification: Uncertain significance. Review status: no assertion criteria provided. Collection method: clinical testing. Allele origin: germline. Affected: yes. Study: VKGL Data-share Consensus. Not counted in ClinVar's aggregate classification.

Genome Diagnostics Laboratory, University Medical Center Utrecht
Classification: Uncertain significance. Review status: no assertion criteria provided. Collection method: clinical testing. Allele origin: germline. Affected: yes. Study: VKGL Data-share Consensus. Not counted in ClinVar's aggregate classification.

Literature cited by the submitters: PubMed 30847666 (cited by Labcorp Genetics (formerly Invitae), Labcorp).

NM_000257.4(MYH7):c.4853T>C (p.Met1618Thr)

Genes: MHRT (myosin heavy chain associated RNA transcript; plus strand), MYH7 (myosin heavy chain 7; minus strand), LOC126861897 (BRD4-independent group 4 enhancer GRCh37_chr14:23884455-23885654; plus strand). Cytogenetic location: 14q11.2.
Variant type: single nucleotide variant.
Coding change: c.4853T>C on transcript NM_000257.4 (MANE Select); coding-DNA position 4853, T replaced by C.
Protein change: p.Met1618Thr; replaces methionine 1618 with threonine.
Molecular consequence: missense variant. On other transcripts: non-coding transcript variant (1).
Genome position (GRCh38, 1-based): chr14:23,416,104, A>G on the plus strand (T>C on the coding strand, the complement: MYH7 is on the minus strand). VCF-style: chr14-23416104-A-G. GRCh37 (hg19) VCF-style: chr14-23885313-A-G.
Other names: c.4853T>C (NM_000257.2); short protein forms M1618T.
Identifiers: ClinVar variation 1284631 (VCV001284631.10), dbSNP rs1257400566, ClinGen allele CA389037504.